The following is an entry in ClinVar:

NM_002582.4(PARN):c.364G>C (p.Asp122His)

Gene: PARN (poly(A)-specific ribonuclease; minus strand). Cytogenetic location: 16p13.12.
Variant type: single nucleotide variant.
Coding change: c.364G>C on transcript NM_002582.4 (MANE Select); coding-DNA position 364, G replaced by C.
Protein change: p.Asp122His; replaces aspartic acid 122 with histidine.
Molecular consequence: missense variant.
Genome position (GRCh38, 1-based): chr16:14,617,614, C>G on the plus strand (G>C on the coding strand, the complement: PARN is on the minus strand). VCF-style: chr16-14617614-C-G. GRCh37 (hg19) VCF-style: chr16-14711471-C-G.
Other names: c.181G>C, p.Asp61His (NM_001134477.3); c.226G>C, p.Asp76His (NM_001242992.2); c.364G>C (NM_002582.3); short protein forms D61H, D76H, D122H.
Identifiers: ClinVar variation 1397335 (VCV001397335.7), dbSNP rs779555557, ClinGen allele CA394813155.
Genomic context (GRCh38, chr16:14,617,614, plus strand): 5'-TTATAAGCTCTAAAGATAGGTTACCCATAATCTTACCATTTCGAAAAACTTTATTAAAAT[C>G]AAATCCCTGGCTTGCTAGAAAGTCAATGCTGGAGCTCTGAAACAGAGTAAACAGAACACA-3'
Protein context (NP_002573.1, residues 112-132): SIDFLASQGF[Asp122His]FNKVFRNGIP

ClinVar aggregate classification (germline): Uncertain significance. Review status: criteria provided, multiple submitters, no conflicts (2 of 4 stars). 2 submissions from 2 submitters: Uncertain significance (2). Last evaluated 2023-01-25.

Conditions:
PARN-related disorder. Also called: PARN-related condition; PARN-related disorders.
Dyskeratosis congenita, autosomal recessive 6 (DKCB6). Identifiers: MedGen C4225356, MONDO:0014600, OMIM 616353.
Pulmonary fibrosis and/or bone marrow failure, Telomere-related, 4. Also called: PULMONARY FIBROSIS AND/OR BONE MARROW FAILURE SYNDROME, TELOMERE-RELATED, 4. Identifiers: Orphanet 2032, MedGen C4225347, MONDO:0014612, OMIM 616371.

Submissions (2):

PreventionGenetics, part of Exact Sciences
Classification: Uncertain significance for PARN-related condition. Last evaluated: 2023-01-25. Review status: criteria provided, single submitter. Criteria: ACMG Guidelines, 2015. Collection method: clinical testing. Allele origin: germline.
Comment: The PARN c.364G>C variant is predicted to result in the amino acid substitution p.Asp122His. To our knowledge, this variant has not been reported in the literature or in a large population database, indicating this variant is rare. At this time, the clinical significance of this variant is uncertain due to the absence of conclusive functional and genetic evidence.

Labcorp Genetics (formerly Invitae), Labcorp
Classification: Uncertain significance for Dyskeratosis congenita, autosomal recessive 6; Pulmonary fibrosis and/or bone marrow failure, Telomere-related, 4. Last evaluated: 2022-11-09. Review status: criteria provided, single submitter. Criteria: Invitae Variant Classification Sherloc (09022015). Collection method: clinical testing. Allele origin: germline.
Comment: Advanced modeling of protein sequence and biophysical properties (such as structural, functional, and spatial information, amino acid conservation, physicochemical variation, residue mobility, and thermodynamic stability) performed at Invitae indicates that this missense variant is expected to disrupt PARN protein function. In summary, the available evidence is currently insufficient to determine the role of this variant in disease. Therefore, it has been classified as a Variant of Uncertain Significance. This variant is not present in population databases (gnomAD no frequency). This sequence change replaces aspartic acid, which is acidic and polar, with histidine, which is basic and polar, at codon 122 of the PARN protein (p.Asp122His). This variant has not been reported in the literature in individuals affected with PARN-related conditions. ClinVar contains an entry for this variant (Variation ID: 1397335).